The following is an entry in ClinVar:

ClinVar aggregate classification (germline): Uncertain significance. Review status: criteria provided, multiple submitters, no conflicts (2 of 4 stars). 2 submissions from 2 submitters: Uncertain significance (2). Last evaluated 2026-06-13.

Conditions:
Inborn genetic diseases. Identifiers: MedGen C0950123, MeSH D030342.
Baller-Gerold syndrome (BGS). Also called: CRANIOSYNOSTOSIS WITH RADIAL DEFECTS. Identifiers: Orphanet 1225, MedGen C0265308, MONDO:0009039, OMIM 218600.

Allele frequency attached by ClinVar (database versions not stated): gnomAD 0.00001.
gnomAD v4.1: 2 of 1,522,922 alleles (0.00013%); highest among the groups gnomAD compares: Non-Finnish European, 0.00018%; no homozygotes.

Submissions (2):

Ambry Genetics
Classification: Uncertain significance for Inborn genetic diseases. Last evaluated: 2026-06-13. Review status: criteria provided, single submitter. Criteria: Ambry Variant Classification Scheme 2023. Collection method: clinical testing. Allele origin: germline.
Comment: The p.L123V variant (also known as c.367C>G), located in coding exon 5 of the RECQL4 gene, results from a C to G substitution at nucleotide position 367. The leucine at codon 123 is replaced by valine, an amino acid with highly similar properties. This amino acid position is conserved. In addition, this alteration is predicted to be tolerated by in silico analysis. Based on the available evidence, the clinical significance of this variant remains unclear.

Labcorp Genetics (formerly Invitae), Labcorp
Classification: Uncertain significance for Baller-Gerold syndrome. Last evaluated: 2026-01-05. Review status: criteria provided, single submitter. Criteria: Invitae Variant Classification Sherloc (09022015). Collection method: clinical testing. Allele origin: germline.
Comment: This sequence change replaces leucine, which is neutral and non-polar, with valine, which is neutral and non-polar, at codon 123 of the RECQL4 protein (p.Leu123Val). This variant is present in population databases (no rsID available, gnomAD 0.01%). This variant has not been reported in the literature in individuals affected with RECQL4-related conditions. ClinVar contains an entry for this variant (Variation ID: 1014890). Invitae Evidence Modeling of protein sequence and biophysical properties (such as structural, functional, and spatial information, amino acid conservation, physicochemical variation, residue mobility, and thermodynamic stability) indicates that this missense variant is not expected to disrupt RECQL4 protein function with a negative predictive value of 80%. In summary, the available evidence is currently insufficient to determine the role of this variant in disease. Therefore, it has been classified as a Variant of Uncertain Significance.

NM_004260.4(RECQL4):c.367C>G (p.Leu123Val)

Gene: RECQL4 (RecQ like helicase 4; minus strand). Cytogenetic location: 8q24.3.
Variant type: single nucleotide variant.
Coding change: c.367C>G on transcript NM_004260.4 (MANE Select); coding-DNA position 367, C replaced by G.
Protein change: p.Leu123Val; replaces leucine 123 with valine.
Molecular consequence: missense variant.
Genome position (GRCh38, 1-based): chr8:144,516,752, G>C on the plus strand (C>G on the coding strand, the complement: RECQL4 is on the minus strand). VCF-style: chr8-144516752-G-C. GRCh37 (hg19) VCF-style: chr8-145742136-G-C.
Other names: c.367C>G (NM_004260.3); short protein forms L123V.
Identifiers: ClinVar variation 1014890 (VCV001014890.6), dbSNP rs1347447166, ClinGen allele CA372691748.